The following is an entry in ClinVar:

ClinVar aggregate classification (germline): Uncertain significance (1 of 4 stars; one submission).

Conditions:
Paget disease of bone 2, early-onset (PDB2). Also called: Paget disease of bone 2. Identifiers: MedGen C4085251, MONDO:0011183, OMIM 602080.
Frontotemporal dementia and/or amyotrophic lateral sclerosis 1 (FTDALS1). Also called: Frontotemporal dementia with motor neuron disease 1; C9orf72 Frontotemporal Dementia and/or Amyotrophic Lateral Sclerosis. Identifiers: Orphanet 275872, MedGen C5779877, MONDO:0007105, OMIM 105550.

Allele frequency attached by ClinVar (database versions not stated): gnomAD exomes below 0.00001; gnomAD 0.00001.
gnomAD v4.1: 2 of 1,614,032 alleles (0.00012%); highest among the groups gnomAD compares: Non-Finnish European, 0.00017%; no homozygotes.

Submission:

Labcorp Genetics (formerly Invitae), Labcorp
Classification: Uncertain significance for Paget disease of bone 2, early-onset; Frontotemporal dementia and/or amyotrophic lateral sclerosis 1. Last evaluated: 2023-07-25. Review status: criteria provided, single submitter. Criteria: Invitae Variant Classification Sherloc (09022015). Collection method: clinical testing. Allele origin: germline.
Comment: In summary, the available evidence is currently insufficient to determine the role of this variant in disease. Therefore, it has been classified as a Variant of Uncertain Significance. Advanced modeling of protein sequence and biophysical properties (such as structural, functional, and spatial information, amino acid conservation, physicochemical variation, residue mobility, and thermodynamic stability) performed at Invitae indicates that this missense variant is not expected to disrupt SQSTM1 protein function. This missense change has been observed in individual(s) with clinical features of amyotrophic lateral sclerosis (PMID: 23417734). This variant is present in population databases (no rsID available, gnomAD 0.007%). This sequence change replaces methionine, which is neutral and non-polar, with valine, which is neutral and non-polar, at codon 87 of the SQSTM1 protein (p.Met87Val).

Literature cited by the submitters: PubMed 23417734.

NM_003900.5(SQSTM1):c.259A>G (p.Met87Val)

Gene: SQSTM1 (sequestosome 1; plus strand). Cytogenetic location: 5q35.3.
Variant type: single nucleotide variant.
Coding change: c.259A>G on transcript NM_003900.5 (MANE Select); coding-DNA position 259, A replaced by G.
Protein change: p.Met87Val; replaces methionine 87 with valine.
Molecular consequence: missense variant.
Genome position (GRCh38, 1-based): chr5:179,823,011, A>G. VCF-style: chr5-179823011-A-G. GRCh37 (hg19) VCF-style: chr5-179250011-A-G.
Other names: c.7A>G, p.Met3Val (NM_001142298.2, NM_001142299.2); short protein forms M3V, M87V.
Identifiers: ClinVar variation 2925387 (VCV002925387.3), dbSNP rs1212100680, ClinGen allele CA362443120.